The following is an entry in ClinVar:

ClinVar aggregate classification (germline): Uncertain significance (1 of 4 stars; one submission).

Conditions:
Periodic fever-infantile enterocolitis-autoinflammatory syndrome. Also called: Autoinflammation with infantile enterocolitis. Identifiers: Orphanet 436166, MedGen C4015067, MONDO:0014472, OMIM 616050.
Familial cold autoinflammatory syndrome 4 (FCAS4). Identifiers: Orphanet 47045, Orphanet 576349, MedGen C4015276, MONDO:0014498, OMIM 616115.

Allele frequency attached by ClinVar (database versions not stated): gnomAD exomes below 0.00001.
gnomAD v4.1: 3 of 1,614,152 alleles (0.00019%); highest among the groups gnomAD compares: Non-Finnish European, 0.00025%; no homozygotes.

Submission:

Labcorp Genetics (formerly Invitae), Labcorp
Classification: Uncertain significance for Periodic fever-infantile enterocolitis-autoinflammatory syndrome; Familial cold autoinflammatory syndrome 4. Last evaluated: 2021-04-10. Review status: criteria provided, single submitter. Criteria: Invitae Variant Classification Sherloc (09022015). Collection method: clinical testing. Allele origin: germline.
Comment: This sequence change replaces lysine with asparagine at codon 190 of the NLRC4 protein (p.Lys190Asn). The lysine residue is moderately conserved and there is a moderate physicochemical difference between lysine and asparagine. In summary, the available evidence is currently insufficient to determine the role of this variant in disease. Therefore, it has been classified as a Variant of Uncertain Significance. Algorithms developed to predict the effect of missense changes on protein structure and function (SIFT, PolyPhen-2, Align-GVGD) all suggest that this variant is likely to be tolerated, but these predictions have not been confirmed by published functional studies and their clinical significance is uncertain. This variant has not been reported in the literature in individuals with NLRC4-related conditions. This variant is not present in population databases (ExAC no frequency).

NM_001199138.2(NLRC4):c.570G>C (p.Lys190Asn)

Gene: NLRC4 (NLR family CARD domain containing 4; minus strand). Cytogenetic location: 2p22.3.
Variant type: single nucleotide variant.
Coding change: c.570G>C on transcript NM_001199138.2 (MANE Select); coding-DNA position 570, G replaced by C.
Protein change: p.Lys190Asn; replaces lysine 190 with asparagine.
Molecular consequence: missense variant. On other transcripts: intron variant (1).
Genome position (GRCh38, 1-based): chr2:32,251,294, C>G on the plus strand (G>C on the coding strand, the complement: NLRC4 is on the minus strand). VCF-style: chr2-32251294-C-G. GRCh37 (hg19) VCF-style: chr2-32476363-C-G.
Other names: c.570G>C, p.Lys190Asn (NM_001199139.2, NM_021209.5); c.262+1125G>C (NM_001302504.1); short protein forms K190N.
Identifiers: ClinVar variation 1481179 (VCV001481179.8), dbSNP rs1427389272, ClinGen allele CA346515516.